The following is an entry in ClinVar:

NM_006009.4(TUBA1A):c.1078C>T (p.Pro360Ser)

Gene: TUBA1A (tubulin alpha 1a; minus strand). Cytogenetic location: 12q13.12.
Variant type: single nucleotide variant.
Coding change: c.1078C>T on transcript NM_006009.4 (MANE Select); coding-DNA position 1078, C replaced by T.
Protein change: p.Pro360Ser; replaces proline 360 with serine.
Molecular consequence: missense variant.
Genome position (GRCh38, 1-based): chr12:49,185,288, G>A on the plus strand (C>T on the coding strand, the complement: TUBA1A is on the minus strand). VCF-style: chr12-49185288-G-A. GRCh37 (hg19) VCF-style: chr12-49579071-G-A.
Other names: c.1078C>T, p.Pro360Ser (NM_001270399.2); c.973C>T, p.Pro325Ser (NM_001270400.2); short protein forms P325S, P360S.
Identifiers: ClinVar variation 1676935 (VCV001676935.2), dbSNP rs2121242056, ClinGen allele CA384636250.

ClinVar aggregate classification (germline): Uncertain significance (1 of 4 stars; one submission).

Submission:

GeneDx
Classification: Uncertain significance. Last evaluated: 2021-10-18. Review status: criteria provided, single submitter. Criteria: GeneDx Variant Classification Process June 2021. Collection method: clinical testing. Allele origin: germline. Affected: yes.
Comment: Not observed at significant frequency in large population cohorts (gnomAD); Missense variants in this gene are often considered pathogenic (HGMD); In silico analysis supports that this missense variant has a deleterious effect on protein structure/function; Has not been previously published as pathogenic or benign to our knowledge; This variant is associated with the following publications: (PMID: 24860126)